The following is an entry in ClinVar:

NM_181776.3(SLC36A2):c.1385C>T (p.Ala462Val)

Gene: SLC36A2 (solute carrier family 36 member 2; minus strand). Cytogenetic location: 5q33.1.
Variant type: single nucleotide variant.
Coding change: c.1385C>T on transcript NM_181776.3 (MANE Select); coding-DNA position 1385, C replaced by T.
Protein change: p.Ala462Val; replaces alanine 462 with valine.
Molecular consequence: missense variant.
Genome position (GRCh38, 1-based): chr5:151,316,884, G>A on the plus strand (C>T on the coding strand, the complement: SLC36A2 is on the minus strand). VCF-style: chr5-151316884-G-A. GRCh37 (hg19) VCF-style: chr5-150696445-G-A.
Other names: short protein forms A462V.
Identifiers: ClinVar variation 2631303 (VCV002631303.1), dbSNP rs748266105, ClinGen allele CA361806211.
Genomic context (GRCh38, chr5:151,316,884, plus strand): 5'-ACAAAAGTGGTGGAGTTGGAAAAGGGGTGAGAGTCTTCTGACTTGAGCAGCTCGTCCAGG[G>A]CCTGGTAGGTCCCCACCACAAAGCCCACGAAGCCCAGGATGCTGATCAGGGCGTCCTTGA-3'
Protein context (NP_861441.2, residues 452-472): FVGFVVGTYQ[Ala462Val]LDELLKSEDS

ClinVar aggregate classification (germline): Uncertain significance (1 of 4 stars; one submission).

Conditions:
SLC36A2-related disorder. Also called: SLC36A2-related condition.

gnomAD v4.1: 3 of 1,614,056 alleles (0.00019%); highest among the groups gnomAD compares: Non-Finnish European, 0.00025%; no homozygotes.

Submission:

PreventionGenetics, part of Exact Sciences
Classification: Uncertain significance for SLC36A2-related condition. Last evaluated: 2023-08-02. Review status: criteria provided, single submitter. Criteria: ACMG Guidelines, 2015. Collection method: clinical testing. Allele origin: germline.
Comment: The SLC36A2 c.1385C>T variant is predicted to result in the amino acid substitution p.Ala462Val. To our knowledge, this variant has not been reported in the literature. This variant is reported in 0.0065% of alleles in individuals of European (Non-Finnish) descent in gnomAD. At this time, the clinical significance of this variant is uncertain due to the absence of conclusive functional and genetic evidence.